The following is an entry in ClinVar:

NM_004655.4(AXIN2):c.294C>T (p.Phe98=)

Gene: AXIN2 (axin 2; minus strand). Cytogenetic location: 17q24.1.
Variant type: single nucleotide variant.
Coding change: c.294C>T on transcript NM_004655.4 (MANE Select); coding-DNA position 294, C replaced by T.
Protein change: p.Phe98=; no amino-acid change (phenylalanine 98 retained).
Molecular consequence: synonymous variant.
Genome position (GRCh38, 1-based): chr17:65,558,327, G>A on the plus strand (C>T on the coding strand, the complement: AXIN2 is on the minus strand). VCF-style: chr17-65558327-G-A. GRCh37 (hg19) VCF-style: chr17-63554445-G-A.
Other names: c.294C>T (NM_004655.3); c.294C>T, p.Phe98= (NM_001363813.1).
Identifiers: ClinVar variation 1143560 (VCV001143560.11), dbSNP rs765473342, ClinGen allele CA8719071.

ClinVar aggregate classification (germline): Benign/Likely benign. Review status: criteria provided, multiple submitters, no conflicts (2 of 4 stars). 3 submissions from 3 submitters: Benign (1); Likely benign (2). Last evaluated 2024-06-26.

Conditions:
Oligodontia-cancer predisposition syndrome. Also called: TOOTH AGENESIS-COLORECTAL CANCER SYNDROME. Identifiers: Orphanet 300576, MedGen C1837750, MONDO:0012075, OMIM 608615. Disease mechanism: loss of function.
Hereditary cancer-predisposing syndrome. Also called: Hereditary Cancer Syndrome; Neoplastic Syndromes, Hereditary; Hereditary neoplastic syndrome; Tumor predisposition. Identifiers: Orphanet 140162, MedGen C0027672, MeSH D009386, MONDO:0015356.

Allele frequency attached by ClinVar (database versions not stated): gnomAD exomes below 0.00001; ExAC 0.00001.
gnomAD v4.1: 2 of 1,614,182 alleles (0.00012%); highest among the groups gnomAD compares: South Asian, 0.0011%; no homozygotes.

Submissions (3):

Myriad Genetics, Inc.
Classification: Benign for Oligodontia-cancer predisposition syndrome. Last evaluated: 2024-06-26. Review status: criteria provided, single submitter. Criteria: Myriad Autosomal Dominant, Autosomal Recessive and X-Linked Classification Criteria (2023). Collection method: clinical testing. Allele origin: unknown.
Comment: This variant is considered benign. This variant is a silent/synonymous amino acid change and it is not expected to impact splicing.

Ambry Genetics
Classification: Likely benign for Hereditary cancer-predisposing syndrome. Last evaluated: 2023-01-08. Review status: criteria provided, single submitter. Criteria: Ambry Variant Classification Scheme 2023. Collection method: clinical testing. Allele origin: germline.

Labcorp Genetics (formerly Invitae), Labcorp
Classification: Likely benign for Oligodontia-cancer predisposition syndrome. Last evaluated: 2020-10-19. Review status: criteria provided, single submitter. Criteria: Invitae Variant Classification Sherloc (09022015). Collection method: clinical testing. Allele origin: germline.